The following is an entry in ClinVar:

NM_004370.6(COL12A1):c.2309C>T (p.Thr770Ile)

Gene: COL12A1 (collagen type XII alpha 1 chain; minus strand). Cytogenetic location: 6q13.
Variant type: single nucleotide variant.
Coding change: c.2309C>T on transcript NM_004370.6 (MANE Select); coding-DNA position 2309, C replaced by T.
Protein change: p.Thr770Ile; replaces threonine 770 with isoleucine.
Molecular consequence: missense variant. On other transcripts: intron variant (2).
Genome position (GRCh38, 1-based): chr6:75,177,791, G>A on the plus strand (C>T on the coding strand, the complement: COL12A1 is on the minus strand). VCF-style: chr6-75177791-G-A. GRCh37 (hg19) VCF-style: chr6-75887507-G-A.
Other names: c.2309C>T (NM_004370.5); c.2309C>T, p.Thr770Ile (NM_001424113.1, NM_001424114.1, NM_001424115.1); c.73+24929C>T (NM_001424116.1, NM_080645.3); short protein forms T770I.
Identifiers: ClinVar variation 2936360 (VCV002936360.4), dbSNP rs773106046, ClinGen allele CA3894010.

ClinVar aggregate classification (germline): Uncertain significance. Review status: criteria provided, multiple submitters, no conflicts (2 of 4 stars). 2 submissions from 2 submitters: Uncertain significance (2). Last evaluated 2026-07-12.

Conditions:
Ullrich congenital muscular dystrophy 2 (UCMD2). Identifiers: Orphanet 75840, MedGen C4225314, MONDO:0014654, OMIM 616470.
Bethlem myopathy 2 (BTHLM2). Identifiers: Orphanet 536516, Orphanet 610, MedGen C4225313, MONDO:0034022, OMIM 616471.
COL12A1-related disorder. Also called: COL12A1-related condition.

Allele frequency attached by ClinVar (database versions not stated): ExAC 0.00001; gnomAD exomes 0.00001.
gnomAD v4.1: 9 of 1,614,100 alleles (0.00056%); highest among the groups gnomAD compares: Non-Finnish European, 0.00076%; no homozygotes.

Submissions (2):

PreventionGenetics, part of Exact Sciences
Classification: Uncertain significance for COL12A1-related condition. Last evaluated: 2026-07-12. Review status: criteria provided, single submitter. Criteria: ACMG Guidelines, 2015. Collection method: clinical testing. Allele origin: germline.
Comment: The COL12A1 c.2309C>T variant is predicted to result in the amino acid substitution p.Thr770Ile. To our knowledge, this variant has not been reported in the literature. This variant is reported in 0.0027% of alleles in individuals of European (Non-Finnish) descent in gnomAD. At this time, the clinical significance of this variant is uncertain due to the absence of conclusive functional and genetic evidence.

Labcorp Genetics (formerly Invitae), Labcorp
Classification: Uncertain significance for Bethlem myopathy 2; Ullrich congenital muscular dystrophy 2. Last evaluated: 2023-03-07. Review status: criteria provided, single submitter. Criteria: Invitae Variant Classification Sherloc (09022015). Collection method: clinical testing. Allele origin: germline.
Comment: This sequence change replaces threonine, which is neutral and polar, with isoleucine, which is neutral and non-polar, at codon 770 of the COL12A1 protein (p.Thr770Ile). This variant is present in population databases (rs773106046, gnomAD 0.003%). In summary, the available evidence is currently insufficient to determine the role of this variant in disease. Therefore, it has been classified as a Variant of Uncertain Significance. Advanced modeling of protein sequence and biophysical properties (such as structural, functional, and spatial information, amino acid conservation, physicochemical variation, residue mobility, and thermodynamic stability) performed at Invitae indicates that this missense variant is not expected to disrupt COL12A1 protein function. This variant has not been reported in the literature in individuals affected with COL12A1-related conditions.